The following is an entry in ClinVar:

ClinVar aggregate classification (germline): Likely benign. Review status: criteria provided, multiple submitters, no conflicts (2 of 4 stars). 5 submissions from 5 submitters: Likely benign (4). 1 of the submissions does not count toward it. Last evaluated 2025-05-05.

Conditions:
PHOX2B-related disorder. Also called: PHOX2B-related condition.
Hereditary cancer-predisposing syndrome. Also called: Neoplastic Syndromes, Hereditary; Tumor predisposition; Hereditary Cancer Syndrome; Hereditary neoplastic syndrome. Identifiers: Orphanet 140162, MedGen C0027672, MeSH D009386, MONDO:0015356.
Haddad syndrome (OHD). Also called: Ondine-Hirschsprung disease. Identifiers: Orphanet 99803, MedGen C1859049, MONDO:0020493.

Allele frequency attached by ClinVar (database versions not stated): gnomAD exomes 0.00001; ExAC 0.00002; gnomAD 0.00005 and 0.00006; TOPMed 0.00005.
gnomAD v4.1: 143 of 1,574,806 alleles (0.0091%); highest among the groups gnomAD compares: Non-Finnish European, 0.012%; no homozygotes.

Submissions (5):

Labcorp Genetics (formerly Invitae), Labcorp
Classification: Likely benign for Haddad syndrome. Last evaluated: 2025-05-05. Review status: criteria provided, single submitter. Criteria: Invitae Variant Classification Sherloc (09022015). Collection method: clinical testing. Allele origin: germline.

Women's Health and Genetics/Laboratory Corporation of America, LabCorp
Classification: Likely benign. Last evaluated: 2024-06-16. Review status: criteria provided, single submitter. Criteria: LabCorp Variant Classification Summary - May 2015. Collection method: clinical testing. Allele origin: germline.

Blueprint Genetics
Classification: Likely benign. Last evaluated: 2024-03-02. Review status: criteria provided, single submitter. Criteria: ACMG Guidelines, 2015. Collection method: clinical testing. Allele origin: germline.

Ambry Genetics
Classification: Likely benign for Hereditary cancer-predisposing syndrome. Last evaluated: 2017-01-23. Review status: criteria provided, single submitter. Criteria: Ambry Variant Classification Scheme 2023. Collection method: clinical testing. Allele origin: germline.

PreventionGenetics, part of Exact Sciences
Classification: Likely benign for PHOX2B-related condition. Last evaluated: 2020-01-13. Review status: no assertion criteria provided. Collection method: clinical testing. Allele origin: germline. Not counted in ClinVar's aggregate classification.
Comment: This variant is classified as likely benign based on ACMG/AMP sequence variant interpretation guidelines (Richards et al. 2015 PMID: 25741868, with internal and published modifications).

NM_003924.4(PHOX2B):c.654C>A (p.Pro218=)

Gene: PHOX2B (paired like homeobox 2B; minus strand). Cytogenetic location: 4p13.
Variant type: single nucleotide variant.
Coding change: c.654C>A on transcript NM_003924.4 (MANE Select); coding-DNA position 654, C replaced by A.
Protein change: p.Pro218=; no amino-acid change (proline 218 retained).
Molecular consequence: synonymous variant.
Genome position (GRCh38, 1-based): chr4:41,746,098, G>T on the plus strand (C>A on the coding strand, the complement: PHOX2B is on the minus strand). VCF-style: chr4-41746098-G-T. GRCh37 (hg19) VCF-style: chr4-41748115-G-T.
Identifiers: ClinVar variation 413922 (VCV000413922.20), dbSNP rs770437869, ClinGen allele CA2901462.
Genomic context (GRCh38, chr4:41,746,098, plus strand): 5'-CTTGCCGGGTTCGCCTCCCGGGCCCCCGGGCCCCGCCGCCCCCGGAGCTCCAGCCGGGCT[G>T]GGCCCGCCGCCGCCGCCTCCATTCGCCCCGCAGCTGGGGGTGGGGTTGGGATTGGGACCT-3'
Protein context (NP_003915.2, residues 208-228): CGANGGGGGG[Pro218=]SPAGAPGAAG